The following is an entry in ClinVar:

GRCh38/hg38 2q31.1(chr2:173699279-175586070)x1

Genes: ATF2 (activating transcription factor 2; minus strand), ATP5MC3 (ATP synthase membrane subunit c locus 3; minus strand), CHN1 (chimerin 1; minus strand), CHRNA1 (cholinergic receptor nicotinic alpha 1 subunit; minus strand), CIRSR (corepressor of RBPJ and splicing regulator; minus strand) and 66 more. Cytogenetic location: 2q31.1.
Variant type: copy number loss.
Change: copy number 1 (one copy instead of two) of chr2:173,699,279-175,586,070 (1.89 Mb, GRCh38 coordinates, 1-based), cytogenetic band 2q31.1.
Identifiers: ClinVar variation 58768 (VCV000058768.3).

ClinVar aggregate classification (germline): Pathogenic (1 of 4 stars; one submission).

Submission:

ISCA Site 6
Classification: Pathogenic. Last evaluated: 2011-08-12. Review status: criteria provided, single submitter. Criteria: Kaminsky et al. (Genet Med. 2011). Collection method: clinical testing. Allele origin: de novo. Affected: yes. Observed: 1 variant allele.
Comment: Copy number variation identified through the course of routine clinical cytogenomic testing in postnatal populations. Clinical assertions have been curated as described in Kaminsky et al. 2011.